The following is an entry in ClinVar:

NM_001378743.1(CYLD):c.922+9C>A

Gene: CYLD (CYLD lysine 63 deubiquitinase; plus strand). Cytogenetic location: 16q12.1.
Variant type: single nucleotide variant.
Coding change: c.922+9C>A on transcript NM_001378743.1 (MANE Select); 9 bases into the intron after coding-DNA position 922, C replaced by A.
Molecular consequence: intron variant.
Genome position (GRCh38, 1-based): chr16:50,775,183, C>A. VCF-style: chr16-50775183-C-A. GRCh37 (hg19) VCF-style: chr16-50809094-C-A.
Other names: c.922+9C>A (NM_015247.3); c.914-996C>A (NM_001378745.1, NM_001378744.1, NM_001378753.1 and 9 more transcripts); c.248-996C>A (NM_001378754.1, NM_001378755.1).
Identifiers: ClinVar variation 319500 (VCV000319500.5), dbSNP rs528253971, ClinGen allele CA8052287.
Genomic context (GRCh38, chr16:50,775,183, plus strand): 5'-CCTCAAATCCACTGTGGGTGATATCGTTTTTGCTGACACACAGCTTTATCAGGTATGACT[C>A]CTAAGTGTCGTGTTGGACTCCACGGATGTATTGTTGAATTTTTCAAAGGAAGAACTTTTC-3'

ClinVar aggregate classification (germline): Benign. Review status: criteria provided, single submitter (1 of 4 stars). 3 submissions from 1 submitter: Benign (3). Last evaluated 2018-01-13.

Conditions:
Brooke-Spiegler syndrome. Also called: CYLD Cutaneous Syndrome. Identifiers: Orphanet 79493, MedGen C1857941, MONDO:0011512, OMIM 605041.
Familial multiple trichoepitheliomata. Also called: Familial multiple trichoepithelioma. Identifiers: Orphanet 79493, Orphanet 867, MedGen C1275122, MONDO:0011114.
Familial cylindromatosis. Also called: Turban tumor syndrome; ANCELL-SPIEGLER CYLINDROMAS. Identifiers: Orphanet 211, Orphanet 79493, MedGen C1851526, MONDO:0007565, OMIM 132700.

Allele frequency attached by ClinVar (database versions not stated): gnomAD exomes 0.00010 and 0.00026; 1000 Genomes Project 0.00020; ExAC 0.00029; 1000 Genomes Project 30x 0.00047; gnomAD below 0.00001 and 0.00006; TOPMed 0.00001.
gnomAD v4.1: 161 of 1,595,970 alleles (0.01%); highest among the groups gnomAD compares: South Asian, 0.17%; 1 homozygote.

Submissions (3):

Illumina Laboratory Services, Illumina
Classification: Benign for Familial cylindromatosis. Last evaluated: 2018-01-13. Review status: criteria provided, single submitter. Criteria: ICSL Variant Classification Criteria 13 December 2019. Collection method: clinical testing. Allele origin: germline.
Comment: This variant was observed in the ICSL laboratory as part of a predisposition screen in an ostensibly healthy population. It had not been previously curated by ICSL or reported in the Human Gene Mutation Database (HGMD: prior to June 1st, 2018), and was therefore a candidate for classification through an automated scoring system. Utilizing variant allele frequency, disease prevalence and penetrance estimates, and inheritance mode, an automated score was calculated to assess if this variant is too frequent to cause the disease. Based on the score and internal cut-off values, a variant classified as benign is not then subjected to further curation. The score for this variant resulted in a classification of benign for this disease.

Illumina Laboratory Services, Illumina
Classification: Benign for Trichoepithelioma, multiple familial, 1. Last evaluated: 2018-01-13. Review status: criteria provided, single submitter. Criteria: ICSL Variant Classification Criteria 13 December 2019. Collection method: clinical testing. Allele origin: germline.
Comment: the same text as in the submission from Illumina Laboratory Services, Illumina above.

Illumina Laboratory Services, Illumina
Classification: Benign for Brooke-Spiegler syndrome. Last evaluated: 2018-01-13. Review status: criteria provided, single submitter. Criteria: ICSL Variant Classification Criteria 13 December 2019. Collection method: clinical testing. Allele origin: germline.
Comment: the same text as in the submission from Illumina Laboratory Services, Illumina above.